The following is an entry in ClinVar:

ClinVar aggregate classification (germline): Uncertain significance. Review status: criteria provided, multiple submitters, no conflicts (2 of 4 stars). 2 submissions from 2 submitters: Uncertain significance (2). Last evaluated 2024-09-20.

Conditions:
Immunodeficiency 51 (IMD51). Also called: CANDIDIASIS, FAMILIAL, 5. Identifiers: Orphanet 1334, MedGen C4310803, MONDO:0013500, OMIM 613953.

Allele frequency attached by ClinVar (database versions not stated): gnomAD 0.00001 and 0.00002; gnomAD exomes 0.00002; TOPMed 0.00003; ExAC 0.00006.
gnomAD v4.1: 14 of 1,556,280 alleles (0.0009%); highest among the groups gnomAD compares: African/African-American, 0.0095%; no homozygotes.

Submissions (2):

Ambry Genetics
Classification: Uncertain significance. Last evaluated: 2024-09-20. Review status: criteria provided, single submitter. Criteria: Ambry Variant Classification Scheme 2023. Collection method: clinical testing. Allele origin: germline.

Labcorp Genetics (formerly Invitae), Labcorp
Classification: Uncertain significance for Immunodeficiency 51. Last evaluated: 2018-10-04. Review status: criteria provided, single submitter. Criteria: Invitae Variant Classification Sherloc (09022015). Collection method: clinical testing. Allele origin: germline.
Comment: This sequence change replaces proline with leucine at codon 704 of the IL17RA protein (p.Pro704Leu). The proline residue is highly conserved and there is a moderate physicochemical difference between proline and leucine. This variant is present in population databases (rs747597787, ExAC 0.1%). This variant has not been reported in the literature in individuals with IL17RA-related disease. Algorithms developed to predict the effect of missense changes on protein structure and function (SIFT, PolyPhen-2, Align-GVGD) all suggest that this variant is likely to be disruptive, but these predictions have not been confirmed by published functional studies and their clinical significance is uncertain. In summary, the available evidence is currently insufficient to determine the role of this variant in disease. Therefore, it has been classified as a Variant of Uncertain Significance.

NM_014339.7(IL17RA):c.2111C>T (p.Pro704Leu)

Gene: IL17RA (interleukin 17 receptor A; plus strand). Cytogenetic location: 22q11.1.
Variant type: single nucleotide variant.
Coding change: c.2111C>T on transcript NM_014339.7 (MANE Select); coding-DNA position 2111, C replaced by T.
Protein change: p.Pro704Leu; replaces proline 704 with leucine.
Molecular consequence: missense variant.
Genome position (GRCh38, 1-based): chr22:17,109,330, C>T. VCF-style: chr22-17109330-C-T. GRCh37 (hg19) VCF-style: chr22-17590220-C-T.
Other names: c.2111C>T (NM_014339.5); c.2009C>T, p.Pro670Leu (NM_001289905.2); short protein forms P670L, P704L.
Identifiers: ClinVar variation 649868 (VCV000649868.9), dbSNP rs747597787, ClinGen allele CA10086907.